The following is an entry in ClinVar:

NM_000077.5(CDKN2A):c.425A>G (p.His142Arg)

Gene: CDKN2A (cyclin dependent kinase inhibitor 2A; minus strand). Cytogenetic location: 9p21.3.
Variant type: single nucleotide variant.
Coding change: c.425A>G on transcript NM_000077.5; coding-DNA position 425, A replaced by G.
Protein change: p.His142Arg; replaces histidine 142 with arginine.
Molecular consequence: missense variant (on NM_000077.6). On other transcripts: 3 prime UTR variant (2).
Genome position (GRCh38, 1-based): chr9:21,970,934, T>C on the plus strand (A>G on the coding strand, the complement: CDKN2A is on the minus strand). VCF-style: chr9-21970934-T-C. GRCh37 (hg19) VCF-style: chr9-21970933-T-C.
Other names: c.425A>G, p.His142Arg (NM_000077.6, NM_001195132.2); c.272A>G, p.His91Arg (NM_001363763.2); c.*69A>G (NM_058195.4); c.*348A>G (NM_058197.5); short protein forms H142R, H91R.
Identifiers: ClinVar variation 184564 (VCV000184564.32), dbSNP rs759922342, ClinGen allele CA189313.

ClinVar aggregate classification (germline): Uncertain significance. Review status: criteria provided, multiple submitters, no conflicts (2 of 4 stars). 6 submissions from 6 submitters: Uncertain significance (5). 1 of the submissions does not count toward it. Last evaluated 2026-02-03.

Conditions:
Familial melanoma. Also called: Hereditary melanoma; Hereditary cutaneous melanoma. Identifiers: Orphanet 618, MedGen C1512419, MONDO:0018961.
Hereditary cancer-predisposing syndrome. Also called: Tumor predisposition; Neoplastic Syndromes, Hereditary; Hereditary neoplastic syndrome; Hereditary Cancer Syndrome. Identifiers: Orphanet 140162, MedGen C0027672, MeSH D009386, MONDO:0015356.

Allele frequency attached by ClinVar (database versions not stated): gnomAD exomes 0.00002 and 0.00001; gnomAD 0.00001; TOPMed 0.00001; ExAC 0.00002.
gnomAD v4.1: 25 of 1,612,402 alleles (0.0016%); highest among the groups gnomAD compares: Non-Finnish European, 0.0021%; no homozygotes.

Submissions (6):

Labcorp Genetics (formerly Invitae), Labcorp
Classification: Uncertain significance for Familial melanoma. Last evaluated: 2026-02-03. Review status: criteria provided, single submitter. Criteria: Invitae Variant Classification Sherloc (09022015). Collection method: clinical testing. Allele origin: germline.
Comment: This sequence change replaces histidine, which is basic and polar, with arginine, which is basic and polar, at codon 142 of the CDKN2A (p16INK4a) protein (p.His142Arg). This variant is present in population databases (rs759922342, gnomAD 0.002%). This missense change has been observed in individual(s) with acute lymphoblastic leukemia and/or melanoma (PMID: 18983535, 19158841, 21462282, 26104880). ClinVar contains an entry for this variant (Variation ID: 184564). An algorithm developed to predict the effect of missense changes on protein structure and function outputs the following: PolyPhen-2: "Benign". The arginine amino acid residue is found in multiple mammalian species, which suggests that this missense change does not adversely affect protein function. Experimental studies have shown that this missense change affects CDKN2A (p16INK4a) function (PMID: 20522552, 28218424, 34369425). In summary, the available evidence is currently insufficient to determine the role of this variant in disease. Therefore, it has been classified as a Variant of Uncertain Significance.

Ambry Genetics
Classification: Uncertain significance for Hereditary cancer-predisposing syndrome. Last evaluated: 2025-03-25. Review status: criteria provided, single submitter. Criteria: Ambry Variant Classification Scheme 2023. Collection method: clinical testing. Allele origin: germline.
Comment: The p.H142R variant (also known as c.425A>G), located in coding exon 2 of the CDKN2A gene, results from an A to G substitution at nucleotide position 425. The histidine at codon 142 is replaced by arginine, an amino acid with highly similar properties. This variant was previously detected as a germline alteration in a patient with multiple melanomas, who also harbored a pathogenic CDKN2A mutation and in an unrelated sporadic single melanoma patient (Pastorino et al. Pigment Cell Melanoma Res. 2008 Dec;21:700-9). This variant has also been reported in an individual with multiple primary melanomas and/or familial melanoma (De Simone P et al. Int J Mol Sci, 2020 Dec;21:). This amino acid position is not well conserved in available vertebrate species. In addition, this alteration is predicted to be tolerated by in silico analysis. Since supporting evidence is limited at this time, the clinical significance of this alteration remains unclear.

Color Diagnostics, LLC DBA Color Health
Classification: Uncertain significance for Hereditary cancer-predisposing syndrome. Last evaluated: 2024-06-24. Review status: criteria provided, single submitter. Criteria: ACMG Guidelines, 2015. Collection method: clinical testing. Allele origin: germline.
Comment: The CDKN2A locus encodes two different gene products, p16INK4a and p14ARF. This missense variant replaces histidine with arginine at codon 142 of the CDKN2A (p16INK4A) protein. Computational prediction suggests that this variant may not impact protein structure and function. Functional studies have shown that this variant impairs protein interaction with the binding partners, leukemogenic potential, and CDK4/6 inhibitory function of the CDKN2A protein (PMID: 20522552, 28218424, 34369425). Most of the variant effect on protein function was reported to be mild. This variant has been reported in four individuals affected with melanoma (PMID: 18983535, 19158841, 21462282) and in an individual affected with acute lymphoblastic leukemia (PMID: 26104880). One of the individuals affected with melanoma was reported to carry a pathogenic variant in the same gene (PMID: 18983535). This variant has been identified in 3/246972 chromosomes in the general population by the Genome Aggregation Database (gnomAD). The available evidence is insufficient to determine the role of this variant in disease conclusively. Therefore, this variant is classified as a Variant of Uncertain Significance.

GeneDx
Classification: Uncertain significance. Last evaluated: 2023-09-20. Review status: criteria provided, single submitter. Criteria: GeneDx Variant Classification Process June 2021. Collection method: clinical testing. Allele origin: germline. Affected: yes.
Comment: Not observed at significant frequency in large population cohorts (gnomAD); In silico analysis supports that this missense variant does not alter protein structure/function; Observed in individuals with melanoma; however, one of these individuals also harbored a pathogenic CDKN2A variant, as well as in individual(s) with leukemia (Pastorino et al., 2008; Daniotti et al., 2009; Xu et al., 2015; Vergani et al., 2021; Li et al., 2022); This variant is associated with the following publications: (PMID: 26104880, 21462282, 8834170, 18983535, 9132280, 19158841, 21619050, 20522552, 34573422, 34426522, 34369425)

ARUP Laboratories, Molecular Genetics and Genomics, ARUP Laboratories
Classification: Uncertain significance. Last evaluated: 2022-03-18. Review status: criteria provided, single submitter. Criteria: ARUP Molecular Germline Variant Investigation Process 2021. Collection method: clinical testing. Allele origin: germline.
Comment: The CDKN2A c.425A>G; p.His142Arg variant (rs759922342) is reported in the literature in individuals affected with melanoma or acute lymphoblastic leukemia (Daniotti 2009, Miller 2011, Pastorino 2008, Xu 2015). However, at least one affected individual carrying this variant also carried a known pathogenic variant in CDKN2A (Pastorino 2008). The p.His142Arg variant is found on three chromosomes (3/246972 alleles) in the Genome Aggregation Database. The histidine at codon 142 is weakly conserved, and computational analyses are uncertain whether this variant is neutral or deleterious (REVEL: 0.441). However, functional studies of the variant protein suggest reduced tumor suppressor activity (Li 2022) and reduced interaction with binding partner proteins (Sun 2010). Due to conflicting information, the clinical significance of the p.His142Arg variant is uncertain at this time. References: Daniotti et al. Cutaneous melanoma in childhood and adolescence shows frequent loss of INK4A and gain of KIT. J Invest Dermatol. 2009; 129(7): 1759-1768. PMID: 19158841. Li C et al. The functional role of inherited CDKN2A variants in childhood acute lymphoblastic leukemia. Pharmacogenet Genomics. 2022 Feb 1;32(2):43-50. PMID: 34369425. Miller et al. Classifying variants of CDKN2A using computational and laboratory studies. Hum Mutat. 2011; 32(8): 900-911. PMID: 21462282. Pastorino et al. CDKN2A mutations and MC1R variants in Italian patients with single or multiple primary melanoma. Pigment Cell Melanoma Res. 2008; 21(6): 700-709. PMID: 18983535. Sun et al. GRIM-19 and p16(INK4a) synergistically regulate cell cycle progression and E2F1-responsive gene expression. J Biol Chem. 2010; 285(36): 27545-27552. PMID: 20522552. Xu et al. Inherited coding variants at the CDKN2A locus influence susceptibility to acute lymphoblastic leukaemia in children. Nat Commun. 2015; 6:7553. PMID: 26104880.

True Health Diagnostics
Classification: Uncertain significance for Hereditary cancer-predisposing syndrome. Last evaluated: 2018-04-06. Review status: no assertion criteria provided. Collection method: clinical testing. Allele origin: germline. Not counted in ClinVar's aggregate classification.

Literature cited by the submitters: PubMed 18983535 (cited by Labcorp Genetics (formerly Invitae), Labcorp and Color Diagnostics, LLC DBA Color Health); PubMed 19158841 (cited by 3 submitters); PubMed 21462282 (cited by 3 submitters); PubMed 26104880 (cited by Labcorp Genetics (formerly Invitae), Labcorp and Color Diagnostics, LLC DBA Color Health); PubMed 20522552 (cited by 3 submitters); PubMed 28218424 (cited by Labcorp Genetics (formerly Invitae), Labcorp and Color Diagnostics, LLC DBA Color Health); PubMed 34369425 (cited by Labcorp Genetics (formerly Invitae), Labcorp and Color Diagnostics, LLC DBA Color Health); PubMed 33322357 (cited by Ambry Genetics).